The following is an entry in ClinVar:

ClinVar aggregate classification (germline): Uncertain significance (1 of 4 stars; one submission).

Submission:

GeneDx
Classification: Uncertain significance. Last evaluated: 2024-08-13. Review status: criteria provided, single submitter. Criteria: GeneDx Variant Classification Process June 2021. Collection method: clinical testing. Allele origin: germline. Affected: yes.
Comment: Not observed at significant frequency in large population cohorts (gnomAD); In silico analysis supports that this missense variant has a deleterious effect on protein structure/function; Has not been previously published as pathogenic or benign to our knowledge

NM_177939.3(P4HTM):c.1361C>A (p.Ala454Asp)

Gene: P4HTM (prolyl 4-hydroxylase, transmembrane; plus strand). Cytogenetic location: 3p21.31.
Variant type: single nucleotide variant.
Coding change: c.1361C>A on transcript NM_177939.3 (MANE Select); coding-DNA position 1361, C replaced by A.
Protein change: p.Ala454Asp; replaces alanine 454 with aspartic acid.
Molecular consequence: missense variant.
Genome position (GRCh38, 1-based): chr3:49,006,759, C>A. VCF-style: chr3-49006759-C-A. GRCh37 (hg19) VCF-style: chr3-49044192-C-A.
Other names: c.1544C>A, p.Ala515Asp (NM_177938.2); short protein forms A515D, A454D.
Identifiers: ClinVar variation 3731172 (VCV003731172.1).